The following is an entry in ClinVar:

ClinVar aggregate classification (germline): Uncertain significance. Review status: criteria provided, multiple submitters, no conflicts (2 of 4 stars). 2 submissions from 2 submitters: Uncertain significance (2). Last evaluated 2025-07-16.

Conditions:
Usher syndrome type 3B. Also called: USHER SYNDROME, TYPE IIIB. Identifiers: MedGen C3281066, MONDO:0013788, OMIM 614504.

Allele frequency attached by ClinVar (database versions not stated): gnomAD exomes below 0.00001.
gnomAD v4.1: 2 of 1,614,242 alleles (0.00012%); highest among the groups gnomAD compares: South Asian, 0.0011%; no homozygotes.

Submissions (2):

Women's Health and Genetics/Laboratory Corporation of America, LabCorp
Classification: Uncertain significance. Last evaluated: 2025-07-16. Review status: criteria provided, single submitter. Criteria: LabCorp Variant Classification Summary - May 2015. Collection method: clinical testing. Allele origin: germline.
Comment: Variant summary: HARS1 c.1088A>G (p.Tyr363Cys) results in a non-conservative amino acid change in the encoded protein sequence. Algorithms developed to predict the effect of missense changes on protein structure and function all suggest that this variant is likely to be disruptive. The variant allele was found at a frequency of 4e-06 in 251484 control chromosomes. The available data on variant occurrences in the general population are insufficient to allow any conclusion about variant significance. To our knowledge, no occurrence of c.1088A>G in individuals affected with Autosomal dominant Charcot-Marie-Tooth disease type 2W and no experimental evidence demonstrating its impact on protein function have been reported. ClinVar contains an entry for this variant (Variation ID: 1680308). Based on the evidence outlined above, the variant was classified as uncertain significance.

Labcorp Genetics (formerly Invitae), Labcorp
Classification: Uncertain significance for Usher syndrome type 3B. Last evaluated: 2024-02-26. Review status: criteria provided, single submitter. Criteria: Invitae Variant Classification Sherloc (09022015). Collection method: clinical testing. Allele origin: germline.
Comment: This sequence change replaces tyrosine, which is neutral and polar, with cysteine, which is neutral and slightly polar, at codon 363 of the HARS protein (p.Tyr363Cys). This variant is present in population databases (no rsID available, gnomAD 0.003%). This variant has not been reported in the literature in individuals affected with HARS-related conditions. ClinVar contains an entry for this variant (Variation ID: 1680308). Advanced modeling of protein sequence and biophysical properties (such as structural, functional, and spatial information, amino acid conservation, physicochemical variation, residue mobility, and thermodynamic stability) performed at Invitae indicates that this missense variant is expected to disrupt HARS protein function with a positive predictive value of 80%. In summary, the available evidence is currently insufficient to determine the role of this variant in disease. Therefore, it has been classified as a Variant of Uncertain Significance.

NM_002109.6(HARS1):c.1088A>G (p.Tyr363Cys)

Gene: HARS1 (histidyl-tRNA synthetase 1; minus strand). Cytogenetic location: 5q31.3.
Variant type: single nucleotide variant.
Coding change: c.1088A>G on transcript NM_002109.6 (MANE Select); coding-DNA position 1088, A replaced by G.
Protein change: p.Tyr363Cys; replaces tyrosine 363 with cysteine.
Molecular consequence: missense variant.
Genome position (GRCh38, 1-based): chr5:140,676,760, T>C on the plus strand (A>G on the coding strand, the complement: HARS1 is on the minus strand). VCF-style: chr5-140676760-T-C. GRCh37 (hg19) VCF-style: chr5-140056345-T-C.
Other names: c.968A>G, p.Tyr323Cys (NM_001258040.3); c.1028A>G, p.Tyr343Cys (NM_001258041.3); c.908A>G, p.Tyr303Cys (NM_001258042.3); c.866A>G, p.Tyr289Cys (NM_001289092.2); c.746A>G, p.Tyr249Cys (NM_001289093.2); c.1001A>G, p.Tyr334Cys (NM_001289094.2); short protein forms Y249C, Y289C, Y303C, Y323C, Y334C, Y343C, Y363C.
Identifiers: ClinVar variation 1680308 (VCV001680308.9), dbSNP rs1402131324, ClinGen allele CA361251264.
Genomic context (GRCh38, chr5:140,676,760, plus strand): 5'-CTGAGCCCCACACATGGCACCTTGCGCCCTTTGGGGTCGAACATGCCCACTAGCCCATCA[T>C]AGCGTCCTCCAGCAGCCACACTGCCCACACCCAGGGGCTCTTCCCCTGCCTGGGCTGGGG-3'
Protein context (NP_002100.2, residues 353-373): GVGSVAAGGR[Tyr363Cys]DGLVGMFDPK